The following is an entry in ClinVar:

NM_014991.6(WDFY3):c.396G>T (p.Leu132Phe)

Gene: WDFY3 (WD repeat and FYVE domain containing 3; minus strand). Cytogenetic location: 4q21.23.
Variant type: single nucleotide variant.
Coding change: c.396G>T on transcript NM_014991.6 (MANE Select); coding-DNA position 396, G replaced by T.
Protein change: p.Leu132Phe; replaces leucine 132 with phenylalanine.
Molecular consequence: missense variant.
Genome position (GRCh38, 1-based): chr4:84,841,172, C>A on the plus strand (G>T on the coding strand, the complement: WDFY3 is on the minus strand). VCF-style: chr4-84841172-C-A. GRCh37 (hg19) VCF-style: chr4-85762325-C-A.
Other names: short protein forms L132F.
Identifiers: ClinVar variation 2233768 (VCV002233768.2), dbSNP rs2535286422, ClinGen allele CA357547360.

ClinVar aggregate classification (germline): Uncertain significance (1 of 4 stars; one submission).

Conditions:
Inborn genetic diseases. Identifiers: MedGen C0950123, MeSH D030342.

Allele frequency attached by ClinVar (database versions not stated): gnomAD exomes below 0.00001.
gnomAD v4.1: 1 of 1,609,722 alleles (0.000062%); highest among the groups gnomAD compares: Non-Finnish European, 0.000085%; no homozygotes.

Submission:

Ambry Genetics
Classification: Uncertain significance for Inborn genetic diseases. Last evaluated: 2021-08-05. Review status: criteria provided, single submitter. Criteria: Ambry Variant Classification Scheme 2023. Collection method: clinical testing. Allele origin: germline.
Comment: The c.396G>T (p.L132F) alteration is located in exon 6 (coding exon 3) of the WDFY3 gene. This alteration results from a G to T substitution at nucleotide position 396, causing the leucine (L) at amino acid position 132 to be replaced by a phenylalanine (F). This variant was not reported in population-based cohorts in the Genome Aggregation Database (gnomAD). This amino acid position is highly conserved in available vertebrate species. This missense alteration is located in a region that has a low rate of benign missense variation (Lek, 2016; Firth, 2009). The in silico prediction for this alteration is inconclusive. Based on insufficient or conflicting evidence, the clinical significance of this alteration remains unclear.